The following is an entry in ClinVar:

ClinVar aggregate classification (germline): Uncertain significance (1 of 4 stars; one submission).

Conditions:
Early Myoclonic Encephalopathy. Identifiers: MedGen C0270855.

Submission:

Labcorp Genetics (formerly Invitae), Labcorp
Classification: Uncertain significance for Early Myoclonic Encephalopathy. Last evaluated: 2023-03-26. Review status: criteria provided, single submitter. Criteria: Invitae Variant Classification Sherloc (09022015). Collection method: clinical testing. Allele origin: germline.
Comment: This sequence change replaces phenylalanine, which is neutral and non-polar, with isoleucine, which is neutral and non-polar, at codon 230 of the KCND2 protein (p.Phe230Ile). In summary, the available evidence is currently insufficient to determine the role of this variant in disease. Therefore, it has been classified as a Variant of Uncertain Significance. Advanced modeling of protein sequence and biophysical properties (such as structural, functional, and spatial information, amino acid conservation, physicochemical variation, residue mobility, and thermodynamic stability) has been performed at Invitae for this missense variant, however the output from this modeling did not meet the statistical confidence thresholds required to predict the impact of this variant on KCND2 protein function. ClinVar contains an entry for this variant (Variation ID: 1718209). This variant has not been reported in the literature in individuals affected with KCND2-related conditions. This variant is not present in population databases (gnomAD no frequency).

NM_012281.3(KCND2):c.688T>A (p.Phe230Ile)

Gene: KCND2 (potassium voltage-gated channel subfamily D member 2; plus strand). Cytogenetic location: 7q31.31.
Variant type: single nucleotide variant.
Coding change: c.688T>A on transcript NM_012281.3 (MANE Select); coding-DNA position 688, T replaced by A.
Protein change: p.Phe230Ile; replaces phenylalanine 230 with isoleucine.
Molecular consequence: missense variant.
Genome position (GRCh38, 1-based): chr7:120,275,320, T>A. VCF-style: chr7-120275320-T-A. GRCh37 (hg19) VCF-style: chr7-119915374-T-A.
Other names: short protein forms F230I.
Identifiers: ClinVar variation 1718209 (VCV001718209.5), dbSNP rs113270247, ClinGen allele CA369132166.
Genomic context (GRCh38, chr7:120,275,320, plus strand): 5'-GGATCAAGCCCAGGTCACATTAAAGAACTGCCCTGTGGAGAGCGGTATGCTGTGGCCTTC[T>A]TCTGCTTGGACACGGCCTGCGTCATGATCTTCACAGTTGAGTATTTGCTTCGCCTGGCTG-3'
Protein context (NP_036413.1, residues 220-240): PCGERYAVAF[Phe230Ile]CLDTACVMIF